The following is an entry in ClinVar:

ClinVar aggregate classification (germline): Pathogenic/Likely pathogenic. Review status: criteria provided, multiple submitters, no conflicts (2 of 4 stars). 3 submissions from 3 submitters: Pathogenic (2); Likely pathogenic (1). Last evaluated 2025-10-07.

Conditions:
Fanconi anemia complementation group A (FANCA). Also called: FANCA-Related Fanconi Anemia; Fanconi anemia, group A. Identifiers: Orphanet 84, MedGen C3469521, MONDO:0009215, OMIM 227650.
Fanconi anemia (FA). Also called: Fanconi's anemia. Identifiers: Orphanet 84, MedGen C0015625, MeSH D005199, MONDO:0019391.

Submissions (3):

Myriad Genetics, Inc.
Classification: Pathogenic for Fanconi anemia complementation group A. Last evaluated: 2025-10-07. Review status: criteria provided, single submitter. Criteria: Myriad Autosomal Dominant, Autosomal Recessive and X-Linked Classification Criteria (2023). Collection method: clinical testing. Allele origin: unknown.
Comment: NM_000135.2(FANCA):c.3955dupC(L1319Pfs*26) is a frameshift variant classified as pathogenic in the context of Fanconi anemia complementation group A. L1319Pfs*26 has not been observed in cases with relevant disease. Relevant functional assessments of this variant are not available in the literature. L1319Pfs*26 has been observed in referenced population frequency databases. In summary, NM_000135.2(FANCA):c.3955dupC(L1319Pfs*26) is a frameshift variant in a gene where loss of function is a known mechanism of disease and is predicted to disrupt protein function. Please note: this variant was assessed in the context of healthy population screening.

Labcorp Genetics (formerly Invitae), Labcorp
Classification: Pathogenic for Fanconi anemia. Last evaluated: 2025-05-04. Review status: criteria provided, single submitter. Criteria: Invitae Variant Classification Sherloc (09022015). Collection method: clinical testing. Allele origin: germline.
Comment: This sequence change creates a premature translational stop signal (p.Leu1319Profs*26) in the FANCA gene. It is expected to result in an absent or disrupted protein product. Loss-of-function variants in FANCA are known to be pathogenic (PMID: 19367192). This variant is present in population databases (no rsID available, gnomAD 0.004%). This variant has not been reported in the literature in individuals affected with FANCA-related conditions. ClinVar contains an entry for this variant (Variation ID: 2675421). For these reasons, this variant has been classified as Pathogenic.

Baylor Genetics
Classification: Likely pathogenic for Fanconi anemia complementation group A. Last evaluated: 2023-07-26. Review status: criteria provided, single submitter. Criteria: ACMG Guidelines, 2015. Collection method: clinical testing. Allele origin: unknown.

Literature cited by the submitters: PubMed 19367192 (cited by Labcorp Genetics (formerly Invitae), Labcorp).

NM_000135.4(FANCA):c.3955dup (p.Leu1319fs)

Genes: ZNF276 (zinc finger protein 276; plus strand), FANCA (FA complementation group A; minus strand). Cytogenetic location: 16q24.3.
Variant type: Duplication.
Coding change: c.3955dup on transcript NM_000135.4 (MANE Select); coding-DNA position 3955, one base duplicated (C; older notation c.3955dupC).
Protein change: p.Leu1319fs; shifts the reading frame from leucine 1319.
Molecular consequence: frameshift variant. On other transcripts: 3 prime UTR variant (2), non-coding transcript variant (4).
Genome position (GRCh38, 1-based): chr16:89,739,533, G duplicated on the plus strand (C on the coding strand, the reverse complement: FANCA is on the minus strand); the first of 2 consecutive G bases (chr16:89,739,533-89,739,534); duplicating either gives the same sequence. VCF-style (leftmost placement, unchanged base first): chr16-89739532-A-AG. GRCh37 (hg19) VCF-style: chr16-89805940-A-AG.
Other names: c.3955dup, p.Leu1319fs (NM_001286167.3); c.*1288dup (NM_001113525.2, NM_152287.4); short protein forms L1319fs.
Identifiers: ClinVar variation 2675421 (VCV002675421.3), dbSNP rs1461376582, ClinGen allele CA624278784.